The following is an entry in ClinVar:

ClinVar aggregate classification (germline): Uncertain significance (1 of 4 stars; one submission).

Submission:

Labcorp Genetics (formerly Invitae), Labcorp
Classification: Uncertain significance. Last evaluated: 2024-07-01. Review status: criteria provided, single submitter. Criteria: Invitae Variant Classification Sherloc (09022015). Collection method: clinical testing. Allele origin: germline.
Comment: This sequence change replaces alanine, which is neutral and non-polar, with threonine, which is neutral and polar, at codon 1481 of the RAI1 protein (p.Ala1481Thr). This variant is not present in population databases (gnomAD no frequency). This variant has not been reported in the literature in individuals affected with RAI1-related conditions. ClinVar contains an entry for this variant (Variation ID: 1386203). Advanced modeling of protein sequence and biophysical properties (such as structural, functional, and spatial information, amino acid conservation, physicochemical variation, residue mobility, and thermodynamic stability) performed at Invitae indicates that this missense variant is not expected to disrupt RAI1 protein function with a negative predictive value of 80%. In summary, the available evidence is currently insufficient to determine the role of this variant in disease. Therefore, it has been classified as a Variant of Uncertain Significance.

NM_030665.4(RAI1):c.4441G>A (p.Ala1481Thr)

Gene: RAI1 (retinoic acid induced 1; plus strand). Cytogenetic location: 17p11.2.
Variant type: single nucleotide variant.
Coding change: c.4441G>A on transcript NM_030665.4 (MANE Select); coding-DNA position 4441, G replaced by A.
Protein change: p.Ala1481Thr; replaces alanine 1481 with threonine.
Molecular consequence: missense variant.
Genome position (GRCh38, 1-based): chr17:17,797,389, G>A. VCF-style: chr17-17797389-G-A. GRCh37 (hg19) VCF-style: chr17-17700703-G-A.
Other names: short protein forms A1481T.
Identifiers: ClinVar variation 1386203 (VCV001386203.6), dbSNP rs2143003033, ClinGen allele CA398556599.